The following is an entry in ClinVar:

NM_177438.3(DICER1):c.4212del (p.Asp1405fs)

Gene: DICER1 (dicer 1, ribonuclease III; minus strand). Cytogenetic location: 14q32.13.
Variant type: Deletion.
Coding change: c.4212del on transcript NM_177438.3 (MANE Select); coding-DNA position 4212, one base deleted (A; older notation c.4212delA).
Protein change: p.Asp1405fs; shifts the reading frame from aspartic acid 1405.
Molecular consequence: frameshift variant.
Genome position (GRCh38, 1-based): chr14:95,096,708, T deleted on the plus strand (A on the coding strand, the reverse complement: DICER1 is on the minus strand); the first of 4 consecutive T bases (chr14:95,096,708-95,096,711); deleting any one gives the same sequence. VCF-style (leftmost placement, unchanged base first): chr14-95096707-CT-C. GRCh37 (hg19) VCF-style: chr14-95563044-CT-C.
Other names: c.4212delA (NM_177438.2); c.4212del, p.Asp1405fs (NM_001195573.1, NM_001271282.3, NM_001291628.2 and 1 more transcripts); short protein forms D1405fs.
Identifiers: ClinVar variation 543615 (VCV000543615.8), dbSNP rs1555367927, ClinGen allele CA658798249.
Genomic context (GRCh38, chr14:95,096,707, plus strand): 5'-CCTCCTCCTCATCCTCCTCCTCGTAATCCTCATCCAGTTTGCCATTCGCCAGCATGCAGT[CT>C]TTTGTCTGAAACGAGGGGGAATGGGGAAGGAGGGGAAACATAGCTGCTGTTTTTAAAAGG-3'

ClinVar aggregate classification (germline): Pathogenic (1 of 4 stars; one submission).

Conditions:
DICER1-related tumor predisposition. Also called: DICER1-related pleuropulmonary blastoma cancer predisposition syndrome; DICER1 syndrome. Identifiers: Orphanet 284343, MedGen C3839822, MONDO:0100216.

Submission:

Labcorp Genetics (formerly Invitae), Labcorp
Classification: Pathogenic for DICER1-related tumor predisposition. Last evaluated: 2017-10-28. Review status: criteria provided, single submitter. Criteria: Invitae Variant Classification Sherloc (09022015). Collection method: clinical testing. Allele origin: germline.
Comment: This sequence change creates a premature translational stop signal (p.Asp1405Thrfs*23) in the DICER1 gene. It is expected to result in an absent or disrupted protein product. This variant is not present in population databases (ExAC no frequency). This variant has not been reported in the literature in individuals with DICER1-related disease. Loss-of-function variants in DICER1 are known to be pathogenic (PMID: 19556464, 21266384). For these reasons, this variant has been classified as Pathogenic.

Literature cited by the submitters: PubMed 19556464; PubMed 21266384.